The following is an entry in ClinVar:

ClinVar aggregate classification (germline): Benign/Likely benign. Review status: criteria provided, multiple submitters, no conflicts (2 of 4 stars). 2 submissions from 2 submitters: Benign (1); Likely benign (1). Last evaluated 2026-05-27.

Allele frequency attached by ClinVar (database versions not stated): gnomAD 0.00008 and 0.00007; TOPMed 0.00008; 1000 Genomes Project 30x 0.00016; ExAC 0.00017; gnomAD exomes 0.00019; 1000 Genomes Project 0.00020.
gnomAD v4.1: 48 of 1,614,138 alleles (0.003%); highest among the groups gnomAD compares: East Asian, 0.1%; no homozygotes.

Submissions (2):

Women's Health and Genetics/Laboratory Corporation of America, LabCorp
Classification: Likely benign. Last evaluated: 2026-05-27. Review status: criteria provided, single submitter. Criteria: LabCorp Variant Classification Summary - May 2015. Collection method: clinical testing. Allele origin: germline.
Comment: Variant summary: FLNB c.6728A>G (p.His2243Arg) results in a non-conservative amino acid change in the encoded protein sequence. Algorithms developed to predict the effect of missense changes on protein structure and function are either unavailable or do not agree on the potential impact of this missense change. The variant allele was found at a frequency of 0.00019 in 282858 control chromosomes, predominantly at a frequency of 0.0027 within the East Asian subpopulation in the gnomAD database. The observed variant frequency within East Asian control individuals in the gnomAD database exceeds the estimated maximal expected allele frequency for disease-causing variants in FLNB. To our knowledge, no occurrence of c.6728A>G in individuals affected with FLNB-related conditions and no experimental evidence demonstrating its impact on protein function have been reported. ClinVar contains an entry for this variant (Variation ID: 1639832). Based on the evidence outlined above, the variant was classified as likely benign.

Labcorp Genetics (formerly Invitae), Labcorp
Classification: Benign. Last evaluated: 2026-01-19. Review status: criteria provided, single submitter. Criteria: Invitae Variant Classification Sherloc (09022015). Collection method: clinical testing. Allele origin: germline.

NM_001457.4(FLNB):c.6728A>G (p.His2243Arg)

Gene: FLNB (filamin B; plus strand). Cytogenetic location: 3p14.3.
Variant type: single nucleotide variant.
Coding change: c.6728A>G on transcript NM_001457.4 (MANE Select); coding-DNA position 6728, A replaced by G.
Protein change: p.His2243Arg; replaces histidine 2243 with arginine.
Molecular consequence: missense variant.
Genome position (GRCh38, 1-based): chr3:58,154,884, A>G. VCF-style: chr3-58154884-A-G. GRCh37 (hg19) VCF-style: chr3-58140611-A-G.
Other names: c.6821A>G, p.His2274Arg (NM_001164317.2); c.6695A>G, p.His2232Arg (NM_001164318.2); c.6656A>G, p.His2219Arg (NM_001164319.2); short protein forms H2219R, H2232R, H2243R, H2274R.
Identifiers: ClinVar variation 1639832 (VCV001639832.9), dbSNP rs184329174, ClinGen allele CA2469474.
Genomic context (GRCh38, chr3:58,154,884, plus strand): 5'-CTGGAGGCCTCTCCATCGCTGTTGAGGGCCCCAGTAAGGCCGAGATTACATTCGATGACC[A>G]TAAAAATGGGTCGTGCGGTGTATCTTATATTGCCCAAGAGCCTGGTATGTATTCAGGGTT-3'
Protein context (NP_001448.2, residues 2233-2253): PSKAEITFDD[His2243Arg]KNGSCGVSYI